The following is an entry in ClinVar:

NM_000552.5(VWF):c.6452A>C (p.His2151Pro)

Gene: VWF (von Willebrand factor; minus strand). Cytogenetic location: 12p13.31.
Variant type: single nucleotide variant.
Coding change: c.6452A>C on transcript NM_000552.5 (MANE Select); coding-DNA position 6452, A replaced by C.
Protein change: p.His2151Pro; replaces histidine 2151 with proline.
Molecular consequence: missense variant.
Genome position (GRCh38, 1-based): chr12:5,994,008, T>G on the plus strand (A>C on the coding strand, the complement: VWF is on the minus strand). VCF-style: chr12-5994008-T-G. GRCh37 (hg19) VCF-style: chr12-6103174-T-G.
Other names: p.His2151Pro; short protein forms H2151P.
Identifiers: ClinVar variation 3381076 (VCV003381076.1).
Genomic context (GRCh38, chr12:5,994,008, plus strand): 5'-TCCTGGTGGCAACTGTCCTGCTGGCAGATGGCATAGAATGTGGCTGGAGCCAGGACCTTG[T>G]GGCATTCAGCAAACAGTGGTAAGAGGAGGACCTGGCAGTGGGAGCTGTCGGGGACAAGAC-3'
Protein context (NP_000543.3, residues 2141-2161): VLLLPLFAEC[His2151Pro]KVLAPATFYA

ClinVar aggregate classification (germline): Likely pathogenic (1 of 4 stars; one submission).

Submission:

Mayo Clinic Laboratories, Mayo Clinic
Classification: Likely pathogenic. Last evaluated: 2023-06-30. Review status: criteria provided, single submitter. Criteria: ACMG Guidelines, 2015. Collection method: clinical testing. Allele origin: germline. Observed: 1 variant allele.
Comment: PP3, PM1_supporting, PM2_moderate, PM5

Literature cited by the submitters: PubMed 26986123.